The following is an entry in ClinVar:

ClinVar aggregate classification (germline): Uncertain significance (1 of 4 stars; one submission).

Submission:

Labcorp Genetics (formerly Invitae), Labcorp
Classification: Uncertain significance. Last evaluated: 2022-10-08. Review status: criteria provided, single submitter. Criteria: Invitae Variant Classification Sherloc (09022015). Collection method: clinical testing. Allele origin: germline.
Comment: ClinVar contains an entry for this variant (Variation ID: 1436018). This variant has not been reported in the literature in individuals affected with NEFH-related conditions. This variant is present in population databases (rs759624608, gnomAD 0.003%). This variant, c.1920_1943del, results in the deletion of 8 amino acid(s) of the NEFH protein (p.Thr642_Pro649del), but otherwise preserves the integrity of the reading frame. In summary, the available evidence is currently insufficient to determine the role of this variant in disease. Therefore, it has been classified as a Variant of Uncertain Significance. Experimental studies and prediction algorithms are not available or were not evaluated, and the functional significance of this variant is currently unknown.

NM_021076.4(NEFH):c.1920_1943del (p.Thr642_Pro649del)

Gene: NEFH (neurofilament heavy chain; plus strand). Cytogenetic location: 22q12.2.
Variant type: Deletion.
Coding change: c.1920_1943del on transcript NM_021076.4 (MANE Select); coding-DNA positions 1920 to 1943, 24 bases deleted (TCCAACGAAGGAGGAAGCAAAGTC).
Protein change: p.Thr642_Pro649del.
Molecular consequence: inframe deletion.
Genome position (GRCh38, 1-based): chr22:29,489,560-29,489,583, TCCAACGAAGGAGGAAGCAAAGTC deleted; deleting any 24 consecutive bases within chr22:29,489,555-29,489,583 gives the same sequence; the c. name uses the placement nearest the transcript's 3' end. VCF-style (leftmost placement, unchanged base first): chr22-29489554-CAAGTCTCCAACGAAGGAGGAAGCA-C. GRCh37 (hg19) VCF-style: chr22-29885543-CAAGTCTCCAACGAAGGAGGAAGCA-C.
Identifiers: ClinVar variation 1436018 (VCV001436018.6), dbSNP rs759624608, ClinGen allele CA10174296.